The following is an entry in ClinVar:

ClinVar aggregate classification (germline): Uncertain significance (1 of 4 stars; one submission).

Allele frequency attached by ClinVar (database versions not stated): gnomAD exomes below 0.00001; gnomAD 0.00001; TOPMed 0.00001; ExAC 0.00003; ESP Exome Variant Server 0.00008.
gnomAD v4.1: 3 of 1,596,852 alleles (0.00019%); highest among the groups gnomAD compares: Non-Finnish European, 0.00026%; no homozygotes.

Submission:

Labcorp Genetics (formerly Invitae), Labcorp
Classification: Uncertain significance. Last evaluated: 2023-06-05. Review status: criteria provided, single submitter. Criteria: Invitae Variant Classification Sherloc (09022015). Collection method: clinical testing. Allele origin: germline.
Comment: This sequence change replaces glycine, which is neutral and non-polar, with aspartic acid, which is acidic and polar, at codon 232 of the SEPT9 protein (p.Gly232Asp). The frequency data for this variant in the population databases is considered unreliable, as metrics indicate poor data quality at this position in the gnomAD database. This variant has not been reported in the literature in individuals affected with SEPT9-related conditions. Advanced modeling of protein sequence and biophysical properties (such as structural, functional, and spatial information, amino acid conservation, physicochemical variation, residue mobility, and thermodynamic stability) performed at Invitae indicates that this missense variant is not expected to disrupt SEPT9 protein function. In summary, the available evidence is currently insufficient to determine the role of this variant in disease. Therefore, it has been classified as a Variant of Uncertain Significance.

NM_001113491.2(SEPTIN9):c.749G>A (p.Gly250Asp)

Gene: SEPTIN9 (septin 9; plus strand). Cytogenetic location: 17q25.3.
Variant type: single nucleotide variant.
Coding change: c.749G>A on transcript NM_001113491.2 (MANE Select); coding-DNA position 749, G replaced by A.
Protein change: p.Gly250Asp; replaces glycine 250 with aspartic acid.
Molecular consequence: missense variant. On other transcripts: 5 prime UTR variant (4).
Genome position (GRCh38, 1-based): chr17:77,482,171, G>A. VCF-style: chr17-77482171-G-A. GRCh37 (hg19) VCF-style: chr17-75478253-G-A.
Other names: c.728G>A, p.Gly243Asp (NM_001113493.2); c.257G>A, p.Gly86Asp (NM_001113494.1, NM_001113492.2); c.-5G>A (NM_001113495.2, NM_001113496.2, NM_001293697.2 and 1 more transcripts); c.692G>A, p.Gly231Asp (NM_001293695.2); c.77G>A, p.Gly26Asp (NM_001293696.2); c.695G>A, p.Gly232Asp (NM_006640.5); short protein forms G243D, G86D, G231D, G26D, G232D, G250D.
Identifiers: ClinVar variation 3020137 (VCV003020137.3), dbSNP rs371241098, ClinGen allele CA8793517.
Genomic context (GRCh38, chr17:77,482,171, plus strand): 5'-TCCGCTCTAACTCCTCTGCTGTTCCTTCCCCAGCCACTGAGGCGGCTCCCAGCTGCGTTG[G>A]CGACATGGCCGACACCCCCAGAGATGCCGGGCTCAAGCAGGCGCCTGCATCACGGAACGA-3'
Protein context (NP_001106963.1, residues 240-260): EATEAAPSCV[Gly250Asp]DMADTPRDAG